The following is an entry in ClinVar:

ClinVar aggregate classification (germline): Uncertain significance. Review status: criteria provided, multiple submitters, no conflicts (2 of 4 stars). 4 submissions from 4 submitters: Uncertain significance (4). Last evaluated 2026-01-21.

Conditions:
Familial temporal lobe epilepsy 7. Identifiers: Orphanet 101046, MedGen C4225327, MONDO:0014639, OMIM 616436.
Norman-Roberts syndrome (LIS2). Also called: Lissencephaly 2 (Norman-Roberts type). Identifiers: Orphanet 89844, MedGen C0796089, MONDO:0009760, OMIM 257320.
Epilepsy, familial temporal lobe, 1. Identifiers: Orphanet 101046, MedGen CN030884, MONDO:0700090, OMIM 600512.

Allele frequency attached by ClinVar (database versions not stated): ExAC 0.00001; gnomAD exomes 0.00001; gnomAD 0.00004 and 0.00005; TOPMed 0.00017; 1000 Genomes Project 0.00020; 1000 Genomes Project 30x 0.00031.
gnomAD v4.1: 14 of 1,611,842 alleles (0.00087%); highest among the groups gnomAD compares: Admixed American, 0.018%; no homozygotes.

Submissions (4):

Labcorp Genetics (formerly Invitae), Labcorp
Classification: Uncertain significance for Familial temporal lobe epilepsy 7; Norman-Roberts syndrome. Last evaluated: 2026-01-21. Review status: criteria provided, single submitter. Criteria: Invitae Variant Classification Sherloc (09022015). Collection method: clinical testing. Allele origin: germline.
Comment: This sequence change replaces threonine, which is neutral and polar, with isoleucine, which is neutral and non-polar, at codon 606 of the RELN protein (p.Thr606Ile). This variant is present in population databases (rs540111252, gnomAD 0.003%). This missense change has been observed in individual(s) with epilepsy, cerebral palsy and developmental delay (PMID: 29056246). ClinVar contains an entry for this variant (Variation ID: 194518). Invitae Evidence Modeling of protein sequence and biophysical properties (such as structural, functional, and spatial information, amino acid conservation, physicochemical variation, residue mobility, and thermodynamic stability) indicates that this missense variant is not expected to disrupt RELN protein function with a negative predictive value of 80%. In summary, the available evidence is currently insufficient to determine the role of this variant in disease. Therefore, it has been classified as a Variant of Uncertain Significance.

Blueprint Genetics
Classification: Uncertain significance. Last evaluated: 2019-12-19. Review status: criteria provided, single submitter. Criteria: ACMG Guidelines, 2015. Collection method: clinical testing. Allele origin: germline.

Fulgent Genetics
Classification: Uncertain significance for Norman-Roberts syndrome; Epilepsy, familial temporal lobe, 1; Familial temporal lobe epilepsy 7. Last evaluated: 2018-10-31. Review status: criteria provided, single submitter. Criteria: ACMG Guidelines, 2015. Collection method: clinical testing. Allele origin: unknown.

Eurofins Ntd Llc (ga)
Classification: Uncertain significance. Last evaluated: 2014-10-09. Review status: criteria provided, single submitter. Criteria: EGL Classification Definitions 2015. Collection method: clinical testing. Allele origin: germline. Observed: 2 variant alleles, 2 heterozygotes.

Literature cited by the submitters: PubMed 29056246 (cited by Labcorp Genetics (formerly Invitae), Labcorp).

NM_005045.4(RELN):c.1817C>T (p.Thr606Ile)

Gene: RELN (reelin; minus strand). Cytogenetic location: 7q22.1.
Variant type: single nucleotide variant.
Coding change: c.1817C>T on transcript NM_005045.4 (MANE Select); coding-DNA position 1817, C replaced by T.
Protein change: p.Thr606Ile; replaces threonine 606 with isoleucine.
Molecular consequence: missense variant.
Genome position (GRCh38, 1-based): chr7:103,651,736, G>A on the plus strand (C>T on the coding strand, the complement: RELN is on the minus strand). VCF-style: chr7-103651736-G-A. GRCh37 (hg19) VCF-style: chr7-103292183-G-A.
Other names: c.1817C>T, p.Thr606Ile (NM_173054.3); short protein forms T606I.
Identifiers: ClinVar variation 194518 (VCV000194518.18), dbSNP rs540111252, ClinGen allele CA240535.